The following is an entry in ClinVar:

NM_001267550.2(TTN):c.33580+52G>T

Gene: TTN (titin; minus strand). Cytogenetic location: 2q31.2.
Variant type: single nucleotide variant.
Coding change: c.33580+52G>T on transcript NM_001267550.2 (MANE Select); 52 bases into the intron after coding-DNA position 33580, G replaced by T.
Molecular consequence: intron variant.
Genome position (GRCh38, 1-based): chr2:178,679,842, C>A on the plus strand (G>T on the coding strand, the complement: TTN is on the minus strand). VCF-style: chr2-178679842-C-A. GRCh37 (hg19) VCF-style: chr2-179544569-C-A.
Other names: c.13283-37525G>T (NM_003319.4); c.13859-37525G>T (NM_133437.4); c.13658-37525G>T (NM_133432.3); c.29848+52G>T (NM_133378.4); c.32629+52G>T (NM_001256850.1).
Identifiers: ClinVar variation 675812 (VCV000675812.2), dbSNP rs72650041, ClinGen allele CA60983060.

ClinVar aggregate classification (germline): Benign. Review status: criteria provided, multiple submitters, no conflicts (2 of 4 stars). 2 submissions from 2 submitters: Benign (2). Last evaluated 2018-06-14.

Allele frequency attached by ClinVar (database versions not stated): 1000 Genomes Project 0.02017; gnomAD 0.02069 and 0.02242; 1000 Genomes Project 30x 0.02139; TOPMed 0.02371.
gnomAD v4.1: 6,103 of 1,602,798 alleles (0.38%); highest among the groups gnomAD compares: African/African-American, 7.3%; 221 homozygotes.

Submissions (2):

GeneDx
Classification: Benign. Last evaluated: 2018-06-14. Review status: criteria provided, single submitter. Criteria: GeneDx Variant Classification (06012015). Collection method: clinical testing. Allele origin: germline. Affected: yes.
Comment: This variant is considered likely benign or benign based on one or more of the following criteria: it is a conservative change, it occurs at a poorly conserved position in the protein, it is predicted to be benign by multiple in silico algorithms, and/or has population frequency not consistent with disease.

Breakthrough Genomics
Classification: Benign. Review status: criteria provided, single submitter. Criteria: ACMG Guidelines, 2015. Collection method: not provided. Allele origin: germline. Inheritance: Autosomal recessive inheritance. Affected: yes.